The following is an entry in ClinVar:

ClinVar aggregate classification (germline): Benign (3 of 4 stars; one submission).

Conditions:
Breast-ovarian cancer, familial, susceptibility to, 1 (BROVCA1). Also called: BRCA1 Hereditary Breast and Ovarian Cancer; OVARIAN CANCER, SUSCEPTIBILITY TO. Identifiers: Orphanet 145, MedGen C2676676, MONDO:0011450, OMIM 604370. Disease mechanism: loss of function.

Submission:

Evidence-based Network for the Interpretation of Germline Mutant Alleles (ENIGMA)
Classification: Benign for Breast-ovarian cancer, familial 1. Last evaluated: 2015-01-12. Review status: reviewed by expert panel. Criteria: ENIGMA BRCA1/2 Classification Criteria (2015). Collection method: curation. Allele origin: germline.
Comment: Class 1 not pathogenic based on frequency >1% in an outbred sampleset. Frequency 0.04 (Asian), derived from 1000 genomes (2012-04-30).

NM_007294.4(BRCA1):c.5278-2237del

Gene: BRCA1 (BRCA1 DNA repair associated; minus strand). Cytogenetic location: 17q21.31.
Variant type: Deletion.
Coding change: c.5278-2237del on transcript NM_007294.4 (MANE Select); 2237 bases into the intron before coding-DNA position 5278, one base deleted (A; older notation c.5278-2237delA).
Molecular consequence: intron variant.
Genome position (GRCh38, 1-based): chr17:43,053,354, T deleted on the plus strand (A on the coding strand, the reverse complement: BRCA1 is on the minus strand); the first of 2 consecutive T bases (chr17:43,053,354-43,053,355); deleting either gives the same sequence. VCF-style (leftmost placement, unchanged base first): chr17-43053353-GT-G. GRCh37 (hg19) VCF-style: chr17-41205370-GT-G.
Other names: IVS 20-2237del; c.1825-2237del (NM_001408458.1, NM_001408461.1, NM_001408464.1 and 7 more transcripts); c.4387-2237del (NM_001407967.1); c.4897-2237del (NM_001407959.1); c.5011-2237del (NM_001407931.1, NM_001407932.1, NM_001407928.1 and 4 more transcripts); c.5134-2237del (NM_001407747.1, NM_001407745.1, NM_001407737.1 and 21 more transcripts); c.4894-2237del (NM_001407962.1, NM_001407960.1); c.1465-2237del (NM_001408512.1); and 75 more.
Identifiers: ClinVar variation 209274 (VCV000209274.2), dbSNP rs8176293, ClinGen allele CA276246.